The following is an entry in ClinVar:

ClinVar aggregate classification (germline): Uncertain significance (1 of 4 stars; one submission).

Conditions:
Osteogenesis imperfecta type 8 (OI8). Identifiers: MedGen C1970458, MONDO:0012581, OMIM 610915.

Allele frequency attached by ClinVar (database versions not stated): TOPMed below 0.00001; gnomAD 0.00001; gnomAD exomes 0.00001.
gnomAD v4.1: 8 of 1,608,314 alleles (0.0005%); highest among the groups gnomAD compares: Non-Finnish European, 0.00068%; no homozygotes.

Submission:

Labcorp Genetics (formerly Invitae), Labcorp
Classification: Uncertain significance for Osteogenesis imperfecta type 8. Last evaluated: 2019-08-31. Review status: criteria provided, single submitter. Criteria: Invitae Variant Classification Sherloc (09022015). Collection method: clinical testing. Allele origin: germline.
Comment: In summary, the available evidence is currently insufficient to determine the role of this variant in disease. Therefore, it has been classified as a Variant of Uncertain Significance. Algorithms developed to predict the effect of missense changes on protein structure and function (SIFT, PolyPhen-2, Align-GVGD) all suggest that this variant is likely to be tolerated, but these predictions have not been confirmed by published functional studies and their clinical significance is uncertain. This variant has not been reported in the literature in individuals with P3H1-related conditions. This variant is not present in population databases (ExAC no frequency). This sequence change replaces tryptophan with arginine at codon 30 of the P3H1 protein (p.Trp30Arg). The tryptophan residue is weakly conserved and there is a moderate physicochemical difference between tryptophan and arginine.

NM_022356.4(P3H1):c.88T>C (p.Trp30Arg)

Gene: P3H1 (prolyl 3-hydroxylase 1; minus strand). Cytogenetic location: 1p34.2.
Variant type: single nucleotide variant.
Coding change: c.88T>C on transcript NM_022356.4 (MANE Select); coding-DNA position 88, T replaced by C.
Protein change: p.Trp30Arg; replaces tryptophan 30 with arginine.
Molecular consequence: missense variant.
Genome position (GRCh38, 1-based): chr1:42,766,884, A>G on the plus strand (T>C on the coding strand, the complement: P3H1 is on the minus strand). VCF-style: chr1-42766884-A-G. GRCh37 (hg19) VCF-style: chr1-43232555-A-G.
Other names: c.88T>C, p.Trp30Arg (NM_001146289.2, NM_001243246.2); short protein forms W30R.
Identifiers: ClinVar variation 936717 (VCV000936717.9), dbSNP rs1172430769, ClinGen allele CA339964154.
Genomic context (GRCh38, chr1:42,766,884, plus strand): 5'-CCCCGCGCGCGTAGGCTGCGGTCCCCTCGGCGAAGAGCAGATCAGGCGTCACCATGCCCC[A>G]TCCTGCCTCGGACTCGACCTCGGCTTGGGAGGCAGCGGCCACGACAGCCAGCAGTGTGGT-3'
Protein context (NP_071751.3, residues 20-40): SQAEVESEAG[Trp30Arg]GMVTPDLLFA